The following is an entry in ClinVar:

ClinVar aggregate classification (germline): Uncertain significance (1 of 4 stars; one submission).

gnomAD v4.1: 4 of 1,611,180 alleles (0.00025%); highest among the groups gnomAD compares: Admixed American, 0.0017%; no homozygotes.

Submission:

Labcorp Genetics (formerly Invitae), Labcorp
Classification: Uncertain significance. Last evaluated: 2025-08-12. Review status: criteria provided, single submitter. Criteria: Invitae Variant Classification Sherloc (09022015). Collection method: clinical testing. Allele origin: germline.
Comment: This sequence change replaces isoleucine, which is neutral and non-polar, with threonine, which is neutral and polar, at codon 805 of the IL12RB2 protein (p.Ile805Thr). This variant is not present in population databases (gnomAD no frequency). This variant has not been reported in the literature in individuals affected with IL12RB2-related conditions. An algorithm developed to predict the effect of missense changes on protein structure and function outputs the following: PolyPhen-2: "Benign". The threonine amino acid residue is found in multiple mammalian species, which suggests that this missense change does not adversely affect protein function. In summary, the available evidence is currently insufficient to determine the role of this variant in disease. Therefore, it has been classified as a Variant of Uncertain Significance.

NM_001374259.2(IL12RB2):c.2414T>C (p.Ile805Thr)

Gene: IL12RB2 (interleukin 12 receptor subunit beta 2; plus strand). Cytogenetic location: 1p31.3.
Variant type: single nucleotide variant.
Coding change: c.2414T>C on transcript NM_001374259.2 (MANE Select); coding-DNA position 2414, T replaced by C.
Protein change: p.Ile805Thr; replaces isoleucine 805 with threonine.
Molecular consequence: missense variant. On other transcripts: 3 prime UTR variant (3), non-coding transcript variant (2).
Genome position (GRCh38, 1-based): chr1:67,395,914, T>C. VCF-style: chr1-67395914-T-C. GRCh37 (hg19) VCF-style: chr1-67861597-T-C.
Other names: c.*334T>C (NM_001258214.1, NM_001319233.1); c.2156T>C, p.Ile719Thr (NM_001258215.1); c.*315T>C (NM_001258216.1); c.2414T>C, p.Ile805Thr (NM_001559.3); short protein forms I719T, I805T.
Identifiers: ClinVar variation 4775172 (VCV004775172.1).